The following is an entry in ClinVar:

NM_007194.4(CHEK2):c.747G>T (p.Lys249Asn)

Gene: CHEK2 (checkpoint kinase 2; minus strand). Cytogenetic location: 22q12.1.
Variant type: single nucleotide variant.
Coding change: c.747G>T on transcript NM_007194.4 (MANE Select); coding-DNA position 747, G replaced by T.
Protein change: p.Lys249Asn; replaces lysine 249 with asparagine.
Molecular consequence: missense variant.
Genome position (GRCh38, 1-based): chr22:28,711,954, C>A on the plus strand (G>T on the coding strand, the complement: CHEK2 is on the minus strand). VCF-style: chr22-28711954-C-A. GRCh37 (hg19) VCF-style: chr22-29107942-C-A.
Other names: c.876G>T, p.Lys292Asn (NM_001005735.3); c.84G>T, p.Lys28Asn (NM_001257387.3); c.546G>T, p.Lys182Asn (NM_001349956.3); c.747G>T, p.Lys249Asn (NM_145862.3); c.747G>T (NM_007194.3); short protein forms K182N, K249N, K28N, K292N.
Identifiers: ClinVar variation 1018536 (VCV001018536.10), dbSNP rs749366698, ClinGen allele CA10167884.

ClinVar aggregate classification (germline): Uncertain significance. Review status: criteria provided, multiple submitters, no conflicts (2 of 4 stars). 2 submissions from 2 submitters: Uncertain significance (2). Last evaluated 2025-07-14.

Conditions:
Hereditary cancer-predisposing syndrome. Also called: Tumor predisposition; Neoplastic Syndromes, Hereditary; Hereditary neoplastic syndrome; Hereditary Cancer Syndrome. Identifiers: Orphanet 140162, MedGen C0027672, MeSH D009386, MONDO:0015356.
Familial cancer of breast. Also called: Hereditary breast cancer; BREAST CANCER, FAMILIAL; hereditary breast carcinoma. Identifiers: Orphanet 227535, MedGen C0346153, MONDO:0016419, OMIM 114480. Disease mechanism: loss of function.

Submissions (2):

Ambry Genetics
Classification: Uncertain significance for Hereditary cancer-predisposing syndrome. Last evaluated: 2025-07-14. Review status: criteria provided, single submitter. Criteria: Ambry Variant Classification Scheme 2023. Collection method: clinical testing. Allele origin: germline.
Comment: The p.K249N variant (also known as c.747G>T), located in coding exon 5 of the CHEK2 gene, results from a G to T substitution at nucleotide position 747. The lysine at codon 249 is replaced by asparagine, an amino acid with similar properties. This amino acid position is highly conserved in available vertebrate species. In addition, the in silico prediction for this alteration is inconclusive. Based on the available evidence, the clinical significance of this variant remains unclear.

Labcorp Genetics (formerly Invitae), Labcorp
Classification: Uncertain significance for Familial cancer of breast. Last evaluated: 2023-12-01. Review status: criteria provided, single submitter. Criteria: Invitae Variant Classification Sherloc (09022015). Collection method: clinical testing. Allele origin: germline.
Comment: This sequence change replaces lysine, which is basic and polar, with asparagine, which is neutral and polar, at codon 249 of the CHEK2 protein (p.Lys249Asn). This variant is present in population databases (rs749366698, gnomAD 0.003%). This variant has not been reported in the literature in individuals affected with CHEK2-related conditions. ClinVar contains an entry for this variant (Variation ID: 1018536). An algorithm developed to predict the effect of missense changes on protein structure and function (PolyPhen-2) suggests that this variant is likely to be disruptive. In summary, the available evidence is currently insufficient to determine the role of this variant in disease. Therefore, it has been classified as a Variant of Uncertain Significance.